The following is an entry in ClinVar:

ClinVar aggregate classification (germline): Likely pathogenic (1 of 4 stars; one submission).

Submission:

Dasa
Classification: Likely pathogenic. Last evaluated: 2025-07-01. Review status: criteria provided, single submitter. Criteria: DASA Assertion Criteria. Collection method: clinical testing. Allele origin: germline.
Comment: NM_001318852.2(MAPK8IP3):c.445delinsGA (p.Arg149Glufs*32) is a frameshift variant in MAPK8IP3 predicted to alter the reading frame and introduce a premature termination codon and is predicted to result in an absent or altered protein product. Loss of function is an established disease mechanism for MAPK8IP3-associated disorders. Also, this variant is absent from population databases. Based on the currently available evidence, this variant is classified as likely pathogenic.

NM_001318852.2(MAPK8IP3):c.445delinsGA (p.Arg149fs)

Gene: MAPK8IP3 (mitogen-activated protein kinase 8 interacting protein 3; plus strand). Cytogenetic location: 16p13.3.
Variant type: Indel.
Coding change: c.445delinsGA on transcript NM_001318852.2 (MANE Select); coding-DNA position 445, C replaced by GA.
Protein change: p.Arg149fs; shifts the reading frame from arginine 149.
Molecular consequence: frameshift variant.
Genome position (GRCh38, 1-based): chr16:1,729,143, C replaced by GA. VCF-style: chr16-1729143-C-GA. GRCh37 (hg19) VCF-style: chr16-1779144-C-GA.
Other names: c.445delinsGA, p.Arg149fs (NM_001040439.2, NM_015133.5); short protein forms R149fs.
Identifiers: ClinVar variation 4884039 (VCV004884039.2).